The following is an entry in ClinVar:

NM_006206.6(PDGFRA):c.3071A>G (p.Asp1024Gly)

Gene: PDGFRA (platelet derived growth factor receptor alpha; plus strand). Cytogenetic location: 4q12.
Variant type: single nucleotide variant.
Coding change: c.3071A>G on transcript NM_006206.6 (MANE Select); coding-DNA position 3071, A replaced by G.
Protein change: p.Asp1024Gly; replaces aspartic acid 1024 with glycine.
Molecular consequence: missense variant.
Genome position (GRCh38, 1-based): chr4:54,290,503, A>G. VCF-style: chr4-54290503-A-G. GRCh37 (hg19) VCF-style: chr4-55156670-A-G.
Other names: c.3146A>G, p.Asp1049Gly (NM_001347828.2); c.3071A>G, p.Asp1024Gly (NM_001347829.2); c.3110A>G, p.Asp1037Gly (NM_001347830.2); short protein forms D1037G, D1024G, D1049G.
Identifiers: ClinVar variation 2008193 (VCV002008193.4), dbSNP rs2475566307, ClinGen allele CA356896316.

ClinVar aggregate classification (germline): Uncertain significance (1 of 4 stars; one submission).

Conditions:
Gastrointestinal stromal tumor. Also called: Gastrointestinal stroma tumor; Gastrointestinal stromal tumor, somatic. Identifiers: Orphanet 44890, MedGen C0238198, MeSH D046152, MONDO:0011719, OMIM 606764, HP:0100723.

Submission:

Labcorp Genetics (formerly Invitae), Labcorp
Classification: Uncertain significance for Gastrointestinal stromal tumor. Last evaluated: 2022-06-18. Review status: criteria provided, single submitter. Criteria: Invitae Variant Classification Sherloc (09022015). Collection method: clinical testing. Allele origin: germline.
Comment: In summary, the available evidence is currently insufficient to determine the role of this variant in disease. Therefore, it has been classified as a Variant of Uncertain Significance. Algorithms developed to predict the effect of missense changes on protein structure and function are either unavailable or do not agree on the potential impact of this missense change (SIFT: "Tolerated"; PolyPhen-2: "Probably Damaging"; Align-GVGD: "Class C0"). This variant has not been reported in the literature in individuals affected with PDGFRA-related conditions. This variant is not present in population databases (gnomAD no frequency). This sequence change replaces aspartic acid, which is acidic and polar, with glycine, which is neutral and non-polar, at codon 1024 of the PDGFRA protein (p.Asp1024Gly).